The following is an entry in ClinVar:

NM_020778.5(ALPK3):c.4604G>T (p.Trp1535Leu)

Gene: ALPK3 (alpha kinase 3; plus strand). Cytogenetic location: 15q25.3.
Variant type: single nucleotide variant.
Coding change: c.4604G>T on transcript NM_020778.5 (MANE Select); coding-DNA position 4604, G replaced by T.
Protein change: p.Trp1535Leu; replaces tryptophan 1535 with leucine.
Molecular consequence: missense variant.
Genome position (GRCh38, 1-based): chr15:84,864,546, G>T. VCF-style: chr15-84864546-G-T. GRCh37 (hg19) VCF-style: chr15-85407777-G-T.
Other names: short protein forms W1535L.
Identifiers: ClinVar variation 1746110 (VCV001746110.8), dbSNP rs998073831, ClinGen allele CA273632687.

ClinVar aggregate classification (germline): Uncertain significance. Review status: criteria provided, multiple submitters, no conflicts (2 of 4 stars). 3 submissions from 3 submitters: Uncertain significance (3). Last evaluated 2025-02-27.

Conditions:
Cardiovascular phenotype. Identifiers: MedGen CN230736.

Allele frequency attached by ClinVar (database versions not stated): gnomAD 0.00001; gnomAD exomes below 0.00001; TOPMed 0.00001.
gnomAD v4.1: 9 of 1,614,102 alleles (0.00056%); highest among the groups gnomAD compares: African/African-American, 0.0013%; no homozygotes.

Submissions (3):

Labcorp Genetics (formerly Invitae), Labcorp
Classification: Uncertain significance. Last evaluated: 2025-02-27. Review status: criteria provided, single submitter. Criteria: Invitae Variant Classification Sherloc (09022015). Collection method: clinical testing. Allele origin: germline.
Comment: This sequence change replaces tryptophan, which is neutral and slightly polar, with leucine, which is neutral and non-polar, at codon 1737 of the ALPK3 protein (p.Trp1737Leu). This variant is present in population databases (no rsID available, gnomAD 0.007%). This variant has not been reported in the literature in individuals affected with ALPK3-related conditions. ClinVar contains an entry for this variant (Variation ID: 1746110). Invitae Evidence Modeling of protein sequence and biophysical properties (such as structural, functional, and spatial information, amino acid conservation, physicochemical variation, residue mobility, and thermodynamic stability) indicates that this missense variant is expected to disrupt ALPK3 protein function with a positive predictive value of 80%. In summary, the available evidence is currently insufficient to determine the role of this variant in disease. Therefore, it has been classified as a Variant of Uncertain Significance.

GeneDx
Classification: Uncertain significance. Last evaluated: 2024-11-04. Review status: criteria provided, single submitter. Criteria: GeneDx Variant Classification Process June 2021. Collection method: clinical testing. Allele origin: germline. Affected: yes.
Comment: Not observed at significant frequency in large population cohorts (gnomAD); In silico analysis supports that this missense variant has a deleterious effect on protein structure/function; Has not been previously published as pathogenic or benign to our knowledge

Ambry Genetics
Classification: Uncertain significance for Cardiovascular phenotype. Last evaluated: 2023-11-07. Review status: criteria provided, single submitter. Criteria: Ambry Variant Classification Scheme 2023. Collection method: clinical testing. Allele origin: germline.